The following is an entry in ClinVar:

ClinVar aggregate classification (germline): Pathogenic. Review status: criteria provided, multiple submitters, no conflicts (2 of 4 stars). 3 submissions from 3 submitters: Pathogenic (2). 1 of the submissions does not count toward it. Last evaluated 2024-07-05.

Conditions:
Multiple gastrointestinal atresias. Also called: FAMILIAL INTESTINAL POLYATRESIA SYNDROME; Multiple intestinal atresia. Identifiers: Orphanet 2300, MedGen C0220744, MONDO:0009465.
Gastrointestinal defects and immunodeficiency syndrome 1 (GIDID1). Also called: Combined immunodeficiency-enteropathy spectrum. Identifiers: Orphanet 436252, MedGen C5968858, MONDO:0800030, OMIM 243150.

Submissions (3):

Aleixo Muise Laboratory, Hospital For Sick Children
Classification: Pathogenic for Gastrointestinal defects and immunodeficiency syndrome 1. Last evaluated: 2024-07-05. Review status: criteria provided, single submitter. Criteria: ACMG Guidelines, 2015. Collection method: research. Allele origin: inherited. Affected: yes. Observed: 1 variant allele.
Comment: PVS1;PS1;PM2;PM3;PP3;PP4

Labcorp Genetics (formerly Invitae), Labcorp
Classification: Pathogenic for Multiple gastrointestinal atresias. Last evaluated: 2019-12-23. Review status: criteria provided, single submitter. Criteria: Invitae Variant Classification Sherloc (09022015). Collection method: clinical testing. Allele origin: germline.
Comment: This sequence change creates a premature translational stop signal (p.Tyr105*) in the TTC7A gene. It is expected to result in an absent or disrupted protein product. This variant is not present in population databases (ExAC no frequency). This variant has been observed in individual(s) with combined immunodeficiency with multiple intestinal atresias (PMID: 23830146, 25587526). This variant is also known as c.313 TATC; p.Y105fs in the literature. ClinVar contains an entry for this variant (Variation ID: 190390). Loss-of-function variants in TTC7A are known to be pathogenic (PMID: 23830146, 24292712). For these reasons, this variant has been classified as Pathogenic.

OMIM
Classification: Pathogenic for GASTROINTESTINAL DEFECTS AND IMMUNODEFICIENCY SYNDROME 1. Last evaluated: 2013-09-01. Review status: no assertion criteria provided. Collection method: literature only. Allele origin: germline. Not counted in ClinVar's aggregate classification.

Literature cited by the submitters: PubMed 23830146 (cited by Labcorp Genetics (formerly Invitae), Labcorp and OMIM); PubMed 25587526 (cited by Labcorp Genetics (formerly Invitae), Labcorp).

NM_020458.4(TTC7A):c.315_318del (p.Asn104_Tyr105insTer)

Gene: TTC7A (tetratricopeptide repeat domain 7A; plus strand). Cytogenetic location: 2p21.
Variant type: Deletion.
Coding change: c.315_318del on transcript NM_020458.4 (MANE Select); coding-DNA positions 315 to 318, 4 bases deleted (TCTA; older notation c.315_318delTCTA).
Protein change: p.Asn104_Tyr105insTer.
Molecular consequence: nonsense. On other transcripts: 5 prime UTR variant (1).
Genome position (GRCh38, 1-based): chr2:46,950,493-46,950,496, TCTA deleted; deleting any 4 consecutive bases within chr2:46,950,491-46,950,496 gives the same sequence; the c. name uses the placement nearest the transcript's 3' end. VCF-style (leftmost placement, unchanged base first): chr2-46950490-TTATC-T. GRCh37 (hg19) VCF-style: chr2-47177629-TTATC-T.
Other names: c.315_318del, p.Asn104_Tyr105insTer (LRG_1323t1, NM_001288951.2); c.213_216del, p.Asn70_Tyr71insTer (NM_001288953.2); c.-590_-587del (NM_001288955.2).
Identifiers: ClinVar variation 190390 (VCV000190390.7), dbSNP rs886037747, ClinGen allele CA10575704.